The following is an entry in ClinVar:

NM_001142800.2(EYS):c.7810C>T (p.Arg2604Cys)

Gene: EYS (EGF-like photoreceptor maintenance factor; minus strand). Cytogenetic location: 6q12.
Variant type: single nucleotide variant.
Coding change: c.7810C>T on transcript NM_001142800.2 (MANE Select); coding-DNA position 7810, C replaced by T.
Protein change: p.Arg2604Cys; replaces arginine 2604 with cysteine.
Molecular consequence: missense variant.
Genome position (GRCh38, 1-based): chr6:63,778,094, G>A on the plus strand (C>T on the coding strand, the complement: EYS is on the minus strand). VCF-style: chr6-63778094-G-A. GRCh37 (hg19) VCF-style: chr6-64487987-G-A.
Other names: c.7810C>T, p.Arg2604Cys (NM_001292009.2); short protein forms R2604C.
Identifiers: ClinVar variation 1065738 (VCV001065738.20), dbSNP rs1015857165, ClinGen allele CA140242861.
Genomic context (GRCh38, chr6:63,778,094, plus strand): 5'-TCCCACCATTGCCACATTTCATTAAACTGCAGGGAGAAGCATGACACTGGCCAACACTGC[G>A]TCCAGCATTTGGGTGGCCCTCAGGATTTCCCAGTCCTCTGAAATGGCCATCCTTCTCAGT-3'
Protein context (NP_001136272.1, residues 2594-2614): GNPEGHPNAG[Arg2604Cys]SVGQCHASPC

ClinVar aggregate classification (germline): Conflicting classifications of pathogenicity. Review status: criteria provided, conflicting classifications (1 of 4 stars). 12 submissions from 12 submitters: Pathogenic (2); Likely pathogenic (7); Uncertain significance (3). Last evaluated 2026-02-09.

Conditions:
EYS-related disorder. Also called: EYS-related condition.
Retinal dystrophy. Also called: Inherited retinal dystrophy. Identifiers: Orphanet 71862, MedGen C0854723, MeSH D058499, MONDO:0019118, HP:0000556.
Retinitis pigmentosa (RP). Identifiers: Orphanet 791, MedGen C0035334, MeSH D012174, MONDO:0019200, OMIM 268000. Inheritance: Autosomal dominant, autosomal recessive and X linked inheritance.
Retinitis pigmentosa 25 (RP25). Identifiers: Orphanet 791, MedGen C1864446, MONDO:0011272, OMIM 602772.

Allele frequency attached by ClinVar (database versions not stated): gnomAD exomes 0.00003.
gnomAD v4.1: 69 of 1,551,596 alleles (0.0044%); highest among the groups gnomAD compares: African/African-American, 0.011%; no homozygotes.

Submissions (12):

PreventionGenetics, part of Exact Sciences
Classification: Likely pathogenic for EYS-related condition. Last evaluated: 2026-02-09. Review status: criteria provided, single submitter. Criteria: ACMG Guidelines, 2015. Collection method: clinical testing. Allele origin: germline.
Comment: The EYS c.7810C>T variant is predicted to result in the amino acid substitution p.Arg2604Cys. This variant has been reported along with a second EYS variant in several individuals with retinitis pigmentosa (Abd El-Aziz et al. 2010. PubMed ID: 20237254; Arai et al. 2015. PubMed ID: 26161267; Table S2, Birtel et al. 2018. PubMed ID: 30543658; Table S5, Koyanagi et al. 2019. PubMed ID: 31213501; Table S4, Panneman et al. 2023. PubMed ID: 36819107; Table S1, Weisschuh et al. 2024. PubMed ID: 37734845; Table S1, Lin et al. 2024. PubMed ID: 38219857). An alternate missense change at the same amino acid position (p.Arg2604His) has also been reported in four individuals with EYS-related disorders (Messchaert et al. 2018. PubMed ID: 29159838; Pierrache et al. 2019. PubMed ID: 31074760; Table S2, Weisschuh et al. 2020. PubMed ID: 32531858; Table S4, Panneman et al. 2023. PubMed ID: 36819107). This variant is present in 0.012% of alleles in individuals of African descent in gnomAD. Given the evidence, we interpret this variant as likely pathogenic.

Labcorp Genetics (formerly Invitae), Labcorp
Classification: Pathogenic. Last evaluated: 2025-12-17. Review status: criteria provided, single submitter. Criteria: Invitae Variant Classification Sherloc (09022015). Collection method: clinical testing. Allele origin: germline.
Comment: This sequence change replaces arginine, which is basic and polar, with cysteine, which is neutral and slightly polar, at codon 2604 of the EYS protein (p.Arg2604Cys). This variant is present in population databases (no rsID available, gnomAD 0.01%). This missense change has been observed in individuals with clinical features of retinitis pigmentosa (PMID: 20237254, 26161267, 30543658, 31213501, 36819107; internal data). ClinVar contains an entry for this variant (Variation ID: 1065738). Invitae Evidence Modeling of protein sequence and biophysical properties (such as structural, functional, and spatial information, amino acid conservation, physicochemical variation, residue mobility, and thermodynamic stability) indicates that this missense variant is expected to disrupt EYS protein function with a positive predictive value of 80%. This variant disrupts the p.Arg2604 amino acid residue in EYS. Other variant(s) that disrupt this residue have been determined to be pathogenic (PMID: 29159838, 32531858, 36819107; internal data). This suggests that this residue is clinically significant, and that variants that disrupt this residue are likely to be disease-causing. For these reasons, this variant has been classified as Pathogenic.

Natera, Inc.
Classification: Likely pathogenic for Retinitis pigmentosa type 25. Last evaluated: 2025-08-11. Review status: criteria provided, single submitter. Criteria: Natera Variant Classification Schema (03/2026). Collection method: clinical testing. Allele origin: germline.
Comment: The c.7810C>T variant in EYS is a missense variant predicted to cause substitution of arginine to cysteine at amino acid 2604. This variant is rare in the general population with a frequency below the threshold expected for the associated phenotype(s). This variant has been observed in one or more individuals affected with the associated recessive disease, as either homozygous or compound heterozygous with a second variant (PMID: 30543658, 38219857, 37734845). A different variant at the same position has been determined to be Pathogenic or Likely Pathogenic. Computational prediction algorithms indicate this variant is likely to affect gene or protein function. Given the available evidence, this variant is classified as Likely Pathogenic.

Women's Health and Genetics/Laboratory Corporation of America, LabCorp
Classification: Pathogenic for Retinitis pigmentosa. Last evaluated: 2025-06-10. Review status: criteria provided, single submitter. Criteria: LabCorp Variant Classification Summary - May 2015. Collection method: clinical testing. Allele origin: germline.
Comment: Variant summary: EYS c.7810C>T (p.Arg2604Cys) results in a non-conservative amino acid change located in the Laminin G domain (IPR001791) of the encoded protein sequence. Algorithms developed to predict the effect of missense changes on protein structure and function are either unavailable or do not agree on the potential impact of this missense change. The variant allele was found at a frequency of 2.5e-05 in 157068 control chromosomes. c.7810C>T has been observed in individual(s) affected with Retinitis Pigmentosa (e.g., AbdEl-Aziz_2010, Arai_2015, Messchaert_2018, Birtel_2019, Xu_2021, Koyanagi_2019, Panneman_2023, Lin_2024). These data indicate that the variant is likely to be associated with disease. A different variant affecting the same codon has been classified as pathogenic by our lab (c.7811G>A, p.Arg2604His), supporting the critical relevance of codon 2604 to EYS protein function. The following publications have been ascertained in the context of this evaluation (PMID: 20237254, 26161267, 30543658, 31213501, 29159838, 36819107, 34178978, 38219857). ClinVar contains an entry for this variant (Variation ID: 1065738). Based on the evidence outlined above, the variant was classified as pathogenic.

Myriad Genetics, Inc.
Classification: Likely pathogenic for Retinitis pigmentosa 25. Last evaluated: 2025-04-22. Review status: criteria provided, single submitter. Criteria: Myriad Autosomal Dominant, Autosomal Recessive and X-Linked Classification Criteria (2023). Collection method: clinical testing. Allele origin: unknown.
Comment: NM_001142800.1(EYS):c.7810C>T(R2604C) is a missense variant classified as likely pathogenic in the context of retinitis pigmentosa, EYS-related. R2604C has been observed in cases with relevant disease (PMID: 20237254, 26161267, 29159838, 30543658, 31213501, 34178978, 34906470, 36819107, 37734845, 39607159). Relevant functional assessments of this variant are not available in the literature. R2604C has been observed in referenced population frequency databases. In summary, NM_001142800.1(EYS):c.7810C>T(R2604C) is a missense variant that has been observed more frequently in cases with the relevant disease than in healthy populations. Please note: this variant was assessed in the context of healthy population screening.

3billion
Classification: Likely pathogenic for Retinitis pigmentosa 25. Last evaluated: 2025-02-17. Review status: criteria provided, single submitter. Criteria: ACMG Guidelines, 2015. Collection method: clinical testing. Allele origin: germline. Affected: yes.
Comment: The variant is observed at an extremely low frequency in the gnomAD v4.1.0 dataset (total allele frequency: 0.004%). Predicted Consequence/Location: Missense variant. The majority of the known disease-causing variants of this gene are variants expected to result in premature termination of the protein. Damaging effect on gene or gene product predicted by in silico programs is uncertain [REVEL: 0.57 (damaging >=0.6, benign <0.4)]. The same nucleotide change resulting in the same amino acid change has been previously reported to be associated with EYS-related disorder (PMID: 20237254). The variant has been reported to be in trans with a pathogenic variant as either compound heterozygous or homozygous in at least one similarly affected unrelated individual (PMID: 30543658). A different missense change at the same codon (p.Arg2604His) has been reported as pathogenic/likely pathogenic with strong evidence (ClinVar ID: VCV000809963). Therefore, this variant is classified as Likely pathogenic according to the recommendation of ACMG/AMP guideline.

Fulgent Genetics
Classification: Likely pathogenic for Retinitis pigmentosa 25. Last evaluated: 2024-05-11. Review status: criteria provided, single submitter. Criteria: ACMG Guidelines, 2015. Collection method: clinical testing. Allele origin: germline.

Baylor Genetics
Classification: Likely pathogenic for Retinitis pigmentosa 25. Last evaluated: 2024-03-26. Review status: criteria provided, single submitter. Criteria: ACMG Guidelines, 2015. Collection method: clinical testing. Allele origin: unknown.

Dept Of Ophthalmology, Nagoya University
Classification: Uncertain significance for Retinal dystrophy. Last evaluated: 2023-10-01. Review status: criteria provided, single submitter. Criteria: Submitter's publication. Collection method: research. Allele origin: germline. Affected: yes.

Blueprint Genetics
Classification: Likely pathogenic for EYS-related disorders. Last evaluated: 2023-09-12. Review status: criteria provided, single submitter. Criteria: ACMG Guidelines, 2015. Collection method: clinical testing. Allele origin: germline. Affected: yes. Observed: 5 variant alleles.

GeneDx
Classification: Uncertain significance. Last evaluated: 2021-10-14. Review status: criteria provided, single submitter. Criteria: GeneDx Variant Classification Process June 2021. Collection method: clinical testing. Allele origin: germline. Affected: yes.
Comment: In silico analysis supports that this missense variant does not alter protein structure/function; Observed in at least one homozygous clinically unaffected adult relative of an individual referred for genetic testing at GeneDx; Observed in the heterozygous state in a patient with retinitis pigmentosa in the published literature, however, a second EYS variant was not found in this patient (Abd El-Aziz et al., 2010); This variant is associated with the following publications: (PMID: 20237254, 26161267)

Ocular Genomics Institute, Massachusetts Eye and Ear
Classification: Uncertain significance for Retinitis pigmentosa 25. Last evaluated: 2021-04-08. Review status: criteria provided, single submitter. Criteria: ACMG Guidelines, 2015. Collection method: research. Allele origin: germline. Affected: yes.
Comment: Through a review of available evidence we were able to apply the following criteria: PM2, PP3. Based on this evidence we have classified this variant as Variant of Uncertain Significance.

Literature cited by the submitters: PubMed 20237254 (cited by 5 submitters); PubMed 26161267 (cited by 3 submitters); PubMed 30543658 (cited by 5 submitters); PubMed 31213501 (cited by 4 submitters); PubMed 36819107 (cited by 3 submitters); PubMed 29159838 (cited by 3 submitters); PubMed 32531858 (cited by Labcorp Genetics (formerly Invitae), Labcorp); PubMed 38219857 (cited by Natera, Inc. and Women's Health and Genetics/Laboratory Corporation of America, LabCorp); PubMed 37734845 (cited by Natera, Inc. and Myriad Genetics, Inc.); PubMed 34178978 (cited by Women's Health and Genetics/Laboratory Corporation of America, LabCorp and Myriad Genetics, Inc.); PubMed 34906470 (cited by Myriad Genetics, Inc.); PubMed 39607159 (cited by Myriad Genetics, Inc.).